The following is an entry in ClinVar:

NM_001291303.3(FAT4):c.11123A>G (p.Asn3708Ser)

Gene: FAT4 (FAT atypical cadherin 4; plus strand). Cytogenetic location: 4q28.1.
Variant type: single nucleotide variant.
Coding change: c.11123A>G on transcript NM_001291303.3 (MANE Select); coding-DNA position 11123, A replaced by G.
Protein change: p.Asn3708Ser; replaces asparagine 3708 with serine.
Molecular consequence: missense variant.
Genome position (GRCh38, 1-based): chr4:125,452,133, A>G. VCF-style: chr4-125452133-A-G. GRCh37 (hg19) VCF-style: chr4-126373288-A-G.
Other names: c.11123A>G, p.Asn3708Ser (NM_001291285.3); c.11117A>G, p.Asn3706Ser (NM_024582.6); short protein forms N3706S, N3708S.
Identifiers: ClinVar variation 2167930 (VCV002167930.1), dbSNP rs1306732072, ClinGen allele CA358161169.

ClinVar aggregate classification (germline): Uncertain significance (1 of 4 stars; one submission).

Allele frequency attached by ClinVar (database versions not stated): gnomAD 0.00001; gnomAD exomes 0.00002; TOPMed 0.00003.
gnomAD v4.1: 32 of 1,614,088 alleles (0.002%); highest among the groups gnomAD compares: Non-Finnish European, 0.0025%; no homozygotes.

Submission:

Labcorp Genetics (formerly Invitae), Labcorp
Classification: Uncertain significance. Last evaluated: 2022-08-06. Review status: criteria provided, single submitter. Criteria: Invitae Variant Classification Sherloc (09022015). Collection method: clinical testing. Allele origin: germline.
Comment: This sequence change replaces asparagine, which is neutral and polar, with serine, which is neutral and polar, at codon 3706 of the FAT4 protein (p.Asn3706Ser). This variant is present in population databases (no rsID available, gnomAD 0.002%). This variant has not been reported in the literature in individuals affected with FAT4-related conditions. Advanced modeling of protein sequence and biophysical properties (such as structural, functional, and spatial information, amino acid conservation, physicochemical variation, residue mobility, and thermodynamic stability) performed at Invitae indicates that this missense variant is not expected to disrupt FAT4 protein function. In summary, the available evidence is currently insufficient to determine the role of this variant in disease. Therefore, it has been classified as a Variant of Uncertain Significance.